The following is an entry in ClinVar:

NM_002529.4(NTRK1):c.130G>A (p.Gly44Ser)

Gene: NTRK1 (neurotrophic receptor tyrosine kinase 1; plus strand). Cytogenetic location: 1q23.1.
Variant type: single nucleotide variant.
Coding change: c.130G>A on transcript NM_002529.4 (MANE Select); coding-DNA position 130, G replaced by A.
Protein change: p.Gly44Ser; replaces glycine 44 with serine.
Molecular consequence: missense variant. On other transcripts: intron variant (1).
Genome position (GRCh38, 1-based): chr1:156,861,064, G>A. VCF-style: chr1-156861064-G-A. GRCh37 (hg19) VCF-style: chr1-156830856-G-A.
Other names: c.130G>A, p.Gly44Ser (NM_001007204.1, NM_001012331.2); c.123-3290G>A (NM_001007792.1); short protein forms G44S.
Identifiers: ClinVar variation 2142477 (VCV002142477.2), dbSNP rs1655622371, ClinGen allele CA342929694.

ClinVar aggregate classification (germline): Uncertain significance. Review status: criteria provided, multiple submitters, no conflicts (2 of 4 stars). 2 submissions from 2 submitters: Uncertain significance (2). Last evaluated 2023-10-10.

Conditions:
Hereditary insensitivity to pain with anhidrosis (CIPA). Also called: hereditary sensory and autonomic neuropathy type 4; NEUROPATHY, CONGENITAL SENSORY, WITH ANHIDROSIS; NTRK1 Congenital Insensitivity to Pain with Anhidrosis; INSENSITIVITY TO PAIN, CONGENITAL, WITH ANHIDROSIS; HSAN Type IV; FAMILIAL DYSAUTONOMIA, TYPE II. Identifiers: Orphanet 642, MedGen C0020074, MONDO:0009746, OMIM 256800.

Allele frequency attached by ClinVar (database versions not stated): gnomAD exomes below 0.00001.

Submissions (2):

GeneDx
Classification: Uncertain significance. Last evaluated: 2023-10-10. Review status: criteria provided, single submitter. Criteria: GeneDx Variant Classification Process June 2021. Collection method: clinical testing. Allele origin: germline. Affected: yes.
Comment: Not observed at significant frequency in large population cohorts (gnomAD); In silico analysis supports that this missense variant does not alter protein structure/function; Has not been previously published as pathogenic or benign to our knowledge

Labcorp Genetics (formerly Invitae), Labcorp
Classification: Uncertain significance for Hereditary insensitivity to pain with anhidrosis. Last evaluated: 2022-08-13. Review status: criteria provided, single submitter. Criteria: Invitae Variant Classification Sherloc (09022015). Collection method: clinical testing. Allele origin: germline.
Comment: This sequence change replaces glycine, which is neutral and non-polar, with serine, which is neutral and polar, at codon 44 of the NTRK1 protein (p.Gly44Ser). This variant is not present in population databases (gnomAD no frequency). This variant has not been reported in the literature in individuals affected with NTRK1-related conditions. Advanced modeling of protein sequence and biophysical properties (such as structural, functional, and spatial information, amino acid conservation, physicochemical variation, residue mobility, and thermodynamic stability) performed at Invitae indicates that this missense variant is not expected to disrupt NTRK1 protein function. Algorithms developed to predict the effect of sequence changes on RNA splicing suggest that this variant may create or strengthen a splice site. In summary, the available evidence is currently insufficient to determine the role of this variant in disease. Therefore, it has been classified as a Variant of Uncertain Significance.